The following is an entry in ClinVar:

ClinVar aggregate classification (germline): Uncertain significance (1 of 4 stars; one submission).

Submission:

Labcorp Genetics (formerly Invitae), Labcorp
Classification: Uncertain significance. Last evaluated: 2025-10-18. Review status: criteria provided, single submitter. Criteria: Invitae Variant Classification Sherloc (09022015). Collection method: clinical testing. Allele origin: germline.
Comment: This sequence change replaces histidine, which is basic and polar, with arginine, which is basic and polar, at codon 556 of the ITGAM protein (p.His556Arg). This variant is not present in population databases (gnomAD no frequency). This variant has not been reported in the literature in individuals affected with ITGAM-related conditions. ClinVar contains an entry for this variant (Variation ID: 1390739). An algorithm developed to predict the effect of missense changes on protein structure and function (PolyPhen-2) suggests that this variant is likely to be disruptive. In summary, the available evidence is currently insufficient to determine the role of this variant in disease. Therefore, it has been classified as a Variant of Uncertain Significance.

NM_000632.4(ITGAM):c.1667A>G (p.His556Arg)

Gene: ITGAM (integrin subunit alpha M; plus strand). Cytogenetic location: 16p11.2.
Variant type: single nucleotide variant.
Coding change: c.1667A>G on transcript NM_000632.4 (MANE Select); coding-DNA position 1667, A replaced by G.
Protein change: p.His556Arg; replaces histidine 556 with arginine.
Molecular consequence: missense variant.
Genome position (GRCh38, 1-based): chr16:31,297,914, A>G. VCF-style: chr16-31297914-A-G. GRCh37 (hg19) VCF-style: chr16-31309235-A-G.
Other names: c.1670A>G, p.His557Arg (NM_001145808.2); short protein forms H556R, H557R.
Identifiers: ClinVar variation 1390739 (VCV001390739.8), dbSNP rs2144382512, ClinGen allele CA395671789.
Genomic context (GRCh38, chr16:31,297,914, plus strand): 5'-CGGACGTGGCCATTGGGGCCCCAGGAGAGGAGGACAACCGGGGTGCTGTTTACCTGTTTC[A>G]CGGAACCTCAGGATCTGGCATCAGCCCCTCCCATAGCCAGGTGAGACCTGGTCACTGTCC-3'
Protein context (NP_000623.2, residues 546-566): EDNRGAVYLF[His556Arg]GTSGSGISPS